The following is an entry in ClinVar:

NM_005566.4(LDHA):c.592+7A>G

Gene: LDHA (lactate dehydrogenase A; plus strand). Cytogenetic location: 11p15.1.
Variant type: single nucleotide variant.
Coding change: c.592+7A>G on transcript NM_005566.4 (MANE Select); 7 bases into the intron after coding-DNA position 592, A replaced by G.
Molecular consequence: intron variant.
Genome position (GRCh38, 1-based): chr11:18,403,020, A>G. VCF-style: chr11-18403020-A-G. GRCh37 (hg19) VCF-style: chr11-18424567-A-G.
Other names: c.592+7A>G (NM_001165416.2, NM_001165415.2); c.418+7A>G (NM_001135239.2); c.679+7A>G (NM_001165414.2).
Identifiers: ClinVar variation 855025 (VCV000855025.9), dbSNP rs770770614, ClinGen allele CA5911329.

ClinVar aggregate classification (germline): Uncertain significance (1 of 4 stars; one submission).

Conditions:
Glycogen storage disease due to lactate dehydrogenase M-subunit deficiency (GSD11). Also called: Glycogen storage disease XI; GSD XI; LACTATE DEHYDROGENASE A DEFICIENCY. Identifiers: Orphanet 284426, MedGen C2931743, MONDO:0013047, OMIM 612933.

Allele frequency attached by ClinVar (database versions not stated): ExAC 0.00001.
gnomAD v4.1: 3 of 1,612,106 alleles (0.00019%); highest among the groups gnomAD compares: Non-Finnish European, 0.000085%; no homozygotes.

Submission:

Labcorp Genetics (formerly Invitae), Labcorp
Classification: Uncertain significance for Glycogen storage disease due to lactate dehydrogenase M-subunit deficiency. Last evaluated: 2019-01-08. Review status: criteria provided, single submitter. Criteria: Invitae Variant Classification Sherloc (09022015). Collection method: clinical testing. Allele origin: germline.
Comment: In summary, the available evidence is currently insufficient to determine the role of this variant in disease. Therefore, it has been classified as a Variant of Uncertain Significance. Algorithms developed to predict the effect of sequence changes on RNA splicing suggest that this variant may create or strengthen a splice site, but this prediction has not been confirmed by published transcriptional studies. This variant has not been reported in the literature in individuals with LDHA-related conditions. This variant is present in population databases (rs770770614, ExAC 0.002%). This sequence change falls in intron 5 of the LDHA gene. It does not directly change the encoded amino acid sequence of the LDHA protein.